The following is an entry in ClinVar:

NM_032043.3(BRIP1):c.2715T>G (p.Asn905Lys)

Gene: BRIP1 (BRCA1 interacting DNA helicase 1; minus strand). Cytogenetic location: 17q23.2.
Variant type: single nucleotide variant.
Coding change: c.2715T>G on transcript NM_032043.3 (MANE Select); coding-DNA position 2715, T replaced by G.
Protein change: p.Asn905Lys; replaces asparagine 905 with lysine.
Molecular consequence: missense variant.
Genome position (GRCh38, 1-based): chr17:61,686,026, A>C on the plus strand (T>G on the coding strand, the complement: BRIP1 is on the minus strand). VCF-style: chr17-61686026-A-C. GRCh37 (hg19) VCF-style: chr17-59763387-A-C.
Other names: short protein forms N905K.
Identifiers: ClinVar variation 628986 (VCV000628986.5), dbSNP rs1567731795, ClinGen allele CA400481676.

ClinVar aggregate classification (germline): Uncertain significance (1 of 4 stars; one submission).

Conditions:
Hereditary cancer-predisposing syndrome. Also called: Neoplastic Syndromes, Hereditary; Tumor predisposition; Hereditary neoplastic syndrome; Hereditary Cancer Syndrome. Identifiers: Orphanet 140162, MedGen C0027672, MeSH D009386, MONDO:0015356.

Submission:

Color Diagnostics, LLC DBA Color Health
Classification: Uncertain significance for Hereditary cancer-predisposing syndrome. Last evaluated: 2023-12-04. Review status: criteria provided, single submitter. Criteria: ACMG Guidelines, 2015. Collection method: clinical testing. Allele origin: germline.
Comment: This missense variant replaces asparagine with lysine at codon 905 of the BRIP1 protein. Computational prediction suggests that this variant may not impact protein structure and function (internally defined REVEL score threshold <= 0.5, PMID: 27666373). To our knowledge, functional studies have not been reported for this variant. This variant has not been reported in individuals affected with BRIP1-related disorders in the literature. This variant has not been identified in the general population by the Genome Aggregation Database (gnomAD). The available evidence is insufficient to determine the role of this variant in disease conclusively. Therefore, this variant is classified as a Variant of Uncertain Significance.